The following is an entry in ClinVar:

NM_001376.5(DYNC1H1):c.2564A>G (p.Glu855Gly)

Gene: DYNC1H1 (dynein cytoplasmic 1 heavy chain 1; plus strand). Cytogenetic location: 14q32.31.
Variant type: single nucleotide variant.
Coding change: c.2564A>G on transcript NM_001376.5 (MANE Select); coding-DNA position 2564, A replaced by G.
Protein change: p.Glu855Gly; replaces glutamic acid 855 with glycine.
Molecular consequence: missense variant.
Genome position (GRCh38, 1-based): chr14:101,987,478, A>G. VCF-style: chr14-101987478-A-G. GRCh37 (hg19) VCF-style: chr14-102453815-A-G.
Other names: short protein forms E855G.
Identifiers: ClinVar variation 1395624 (VCV001395624.8), dbSNP rs2047949907, ClinGen allele CA391026824.

ClinVar aggregate classification (germline): Uncertain significance (1 of 4 stars; one submission).

Conditions:
Charcot-Marie-Tooth disease axonal type 2O. Also called: CHARCOT-MARIE-TOOTH NEUROPATHY, AXONAL, TYPE 2O; CHARCOT-MARIE-TOOTH DISEASE, AXONAL, AUTOSOMAL DOMINANT, TYPE 2O; Charcot-Marie-Tooth Neuropathy Type 2O; Charcot-Marie-Tooth disease, axonal, type 20. Identifiers: Orphanet 284232, MedGen C3280220, MONDO:0013644, OMIM 614228.

Submission:

Labcorp Genetics (formerly Invitae), Labcorp
Classification: Uncertain significance for Charcot-Marie-Tooth disease axonal type 2O. Last evaluated: 2024-02-17. Review status: criteria provided, single submitter. Criteria: Invitae Variant Classification Sherloc (09022015). Collection method: clinical testing. Allele origin: germline.
Comment: This sequence change replaces glutamic acid, which is acidic and polar, with glycine, which is neutral and non-polar, at codon 855 of the DYNC1H1 protein (p.Glu855Gly). This variant is not present in population databases (gnomAD no frequency). This variant has not been reported in the literature in individuals affected with DYNC1H1-related conditions. ClinVar contains an entry for this variant (Variation ID: 1395624). Advanced modeling of protein sequence and biophysical properties (such as structural, functional, and spatial information, amino acid conservation, physicochemical variation, residue mobility, and thermodynamic stability) performed at Invitae indicates that this missense variant is not expected to disrupt DYNC1H1 protein function with a negative predictive value of 95%. In summary, the available evidence is currently insufficient to determine the role of this variant in disease. Therefore, it has been classified as a Variant of Uncertain Significance.